The following is an entry in ClinVar:

ClinVar aggregate classification (germline): Likely benign (1 of 4 stars; one submission).

Allele frequency attached by ClinVar (database versions not stated): gnomAD 0.00638 and 0.00686; TOPMed 0.00733; 1000 Genomes Project 0.00739; 1000 Genomes Project 30x 0.00859.
gnomAD v4.1: 970 of 152,282 alleles (0.64%); highest among the groups gnomAD compares: African/African-American, 2.2%; 13 homozygotes.

Submission:

GeneDx
Classification: Likely benign. Last evaluated: 2018-06-16. Review status: criteria provided, single submitter. Criteria: GeneDx Variant Classification (06012015). Collection method: clinical testing. Allele origin: germline. Affected: yes.
Comment: This variant is considered likely benign or benign based on one or more of the following criteria: it is a conservative change, it occurs at a poorly conserved position in the protein, it is predicted to be benign by multiple in silico algorithms, and/or has population frequency not consistent with disease.

NM_000540.3(RYR1):c.6275-279G>A

Gene: RYR1 (ryanodine receptor 1; plus strand). Cytogenetic location: 19q13.2.
Variant type: single nucleotide variant.
Coding change: c.6275-279G>A on transcript NM_000540.3 (MANE Select); 279 bases into the intron before coding-DNA position 6275, G replaced by A.
Molecular consequence: intron variant.
Genome position (GRCh38, 1-based): chr19:38,494,073, G>A. VCF-style: chr19-38494073-G-A. GRCh37 (hg19) VCF-style: chr19-38984713-G-A.
Other names: c.6275-279G>A (NM_001042723.2).
Identifiers: ClinVar variation 673429 (VCV000673429.1), dbSNP rs114656643, ClinGen allele CA308101866.